The following is an entry in ClinVar:

ClinVar aggregate classification (germline): Uncertain significance (1 of 4 stars; one submission).

Conditions:
Kabuki syndrome. Also called: NIIKAWA-KUROKI SYNDROME; Kabuki make-up syndrome. Identifiers: Orphanet 2322, MedGen C0796004, MONDO:0016512.

gnomAD v4.1: 2 of 1,614,042 alleles (0.00012%); highest among the groups gnomAD compares: East Asian, 0.0022%; no homozygotes.

Submission:

Labcorp Genetics (formerly Invitae), Labcorp
Classification: Uncertain significance for Kabuki syndrome. Last evaluated: 2025-09-02. Review status: criteria provided, single submitter. Criteria: Invitae Variant Classification Sherloc (09022015). Collection method: clinical testing. Allele origin: germline.
Comment: This sequence change replaces lysine, which is basic and polar, with asparagine, which is neutral and polar, at codon 11 of the KMT2D protein (p.Lys11Asn). This variant is present in population databases (rs754250785, gnomAD 0.01%). This variant has not been reported in the literature in individuals affected with KMT2D-related conditions. ClinVar contains an entry for this variant (Variation ID: 2797537). Invitae Evidence Modeling of protein sequence and biophysical properties (such as structural, functional, and spatial information, amino acid conservation, physicochemical variation, residue mobility, and thermodynamic stability) has been performed for this missense variant. However, the output from this modeling did not meet the statistical confidence thresholds required to predict the impact of this variant on KMT2D protein function. In summary, the available evidence is currently insufficient to determine the role of this variant in disease. Therefore, it has been classified as a Variant of Uncertain Significance.

NM_003482.4(KMT2D):c.33A>C (p.Lys11Asn)

Gene: KMT2D (lysine methyltransferase 2D; minus strand). Cytogenetic location: 12q13.12.
Variant type: single nucleotide variant.
Coding change: c.33A>C on transcript NM_003482.4 (MANE Select); coding-DNA position 33, A replaced by C.
Protein change: p.Lys11Asn; replaces lysine 11 with asparagine.
Molecular consequence: missense variant.
Genome position (GRCh38, 1-based): chr12:49,055,292, T>G on the plus strand (A>C on the coding strand, the complement: KMT2D is on the minus strand). VCF-style: chr12-49055292-T-G. GRCh37 (hg19) VCF-style: chr12-49449075-T-G.
Other names: short protein forms K11N.
Identifiers: ClinVar variation 2797537 (VCV002797537.3), dbSNP rs754250785, ClinGen allele CA6548820.